The following is an entry in ClinVar:

NM_000271.5(NPC1):c.2795+3_2795+6del

Gene: NPC1 (NPC intracellular cholesterol transporter 1; minus strand). Cytogenetic location: 18q11.2.
Variant type: Deletion.
Coding change: c.2795+3_2795+6del on transcript NM_000271.5 (MANE Select); bases 3 to 6 of the intron after coding-DNA position 2795, 4 bases deleted (CAGT; older notation c.2795+3_2795+6delCAGT).
Molecular consequence: splice donor variant.
Genome position (GRCh38, 1-based): chr18:23,539,805-23,539,808, ACTG deleted on the plus strand (CAGT on the coding strand, the reverse complement: NPC1 is on the minus strand); deleting any 4 consecutive bases within chr18:23,539,805-23,539,811 gives the same sequence; the c. name uses the placement nearest the transcript's 3' end. VCF-style (leftmost placement, unchanged base first): chr18-23539804-TACTG-T. GRCh37 (hg19) VCF-style: chr18-21119768-TACTG-T.
Identifiers: ClinVar variation 4806089 (VCV004806089.1).

ClinVar aggregate classification (germline): Uncertain significance (1 of 4 stars; one submission).

Conditions:
Niemann-Pick disease, type C1. Also called: NIEMANN-PICK DISEASE, VARIANT TYPE C1; NEUROVISCERAL STORAGE DISEASE WITH VERTICAL SUPRANUCLEAR OPHTHALMOPLEGIA; NIEMANN-PICK DISEASE WITH CHOLESTEROL ESTERIFICATION BLOCK; NIEMANN-PICK DISEASE WITHOUT SPHINGOMYELINASE DEFICIENCY; NIEMANN-PICK DISEASE, CHRONIC NEURONOPATHIC FORM. Identifiers: Orphanet 646, MedGen C3179455, MONDO:0009757, OMIM 257220.

Submission:

Labcorp Genetics (formerly Invitae), Labcorp
Classification: Uncertain significance for Niemann-Pick disease, type C1. Last evaluated: 2025-07-08. Review status: criteria provided, single submitter. Criteria: Invitae Variant Classification Sherloc (09022015). Collection method: clinical testing. Allele origin: germline.
Comment: This sequence change falls in intron 18 of the NPC1 gene. It does not directly change the encoded amino acid sequence of the NPC1 protein. It affects a nucleotide within the consensus splice site. This variant is not present in population databases (gnomAD no frequency). This variant has not been reported in the literature in individuals affected with NPC1-related conditions. Variants that disrupt the consensus splice site are a relatively common cause of aberrant splicing (PMID: 17576681, 9536098). Algorithms developed to predict the effect of sequence changes on RNA splicing suggest that this variant may disrupt the consensus splice site. In summary, the available evidence is currently insufficient to determine the role of this variant in disease. Therefore, it has been classified as a Variant of Uncertain Significance.

Literature cited by the submitters: PubMed 17576681; PubMed 9536098.